The following is an entry in ClinVar:

ClinVar aggregate classification (germline): Uncertain significance. Review status: criteria provided, multiple submitters, no conflicts (2 of 4 stars). 2 submissions from 2 submitters: Uncertain significance (2). Last evaluated 2025-08-25.

Conditions:
Inborn genetic diseases. Identifiers: MedGen C0950123, MeSH D030342.
Meckel syndrome, type 11 (MKS11). Identifiers: Orphanet 564, MedGen C3809352, MONDO:0014164, OMIM 615397.
Joubert syndrome 20 (JBTS20). Identifiers: Orphanet 475, MedGen C3554235, MONDO:0013994, OMIM 614970.

gnomAD v4.1: 55 of 1,611,686 alleles (0.0034%); highest among the groups gnomAD compares: South Asian, 0.0044%; no homozygotes.

Submissions (2):

Ambry Genetics
Classification: Uncertain significance for Inborn genetic diseases. Last evaluated: 2025-08-25. Review status: criteria provided, single submitter. Criteria: Ambry Variant Classification Scheme 2023. Collection method: clinical testing. Allele origin: germline.

Labcorp Genetics (formerly Invitae), Labcorp
Classification: Uncertain significance for Joubert syndrome 20; Meckel syndrome, type 11. Last evaluated: 2022-11-22. Review status: criteria provided, single submitter. Criteria: Invitae Variant Classification Sherloc (09022015). Collection method: clinical testing. Allele origin: germline.
Comment: This variant is present in population databases (rs139236786, gnomAD 0.01%). This sequence change replaces alanine, which is neutral and non-polar, with threonine, which is neutral and polar, at codon 292 of the TMEM231 protein (p.Ala292Thr). This variant has not been reported in the literature in individuals affected with TMEM231-related conditions. In summary, the available evidence is currently insufficient to determine the role of this variant in disease. Therefore, it has been classified as a Variant of Uncertain Significance. Algorithms developed to predict the effect of missense changes on protein structure and function are either unavailable or do not agree on the potential impact of this missense change (SIFT: "Deleterious"; PolyPhen-2: "Not Available"; Align-GVGD: "Class C0"). ClinVar contains an entry for this variant (Variation ID: 1416593).

NM_001077418.3(TMEM231):c.715G>A (p.Ala239Thr)

Gene: TMEM231 (transmembrane protein 231; minus strand). Cytogenetic location: 16q23.1.
Variant type: single nucleotide variant.
Coding change: c.715G>A on transcript NM_001077418.3 (MANE Select); coding-DNA position 715, G replaced by A.
Protein change: p.Ala239Thr; replaces alanine 239 with threonine.
Molecular consequence: missense variant. On other transcripts: non-coding transcript variant (1).
Genome position (GRCh38, 1-based): chr16:75,541,405, C>T on the plus strand (G>A on the coding strand, the complement: TMEM231 is on the minus strand). VCF-style: chr16-75541405-C-T. GRCh37 (hg19) VCF-style: chr16-75575303-C-T.
Other names: c.874G>A, p.Ala292Thr (NM_001077416.2); c.802G>A (NM_001077416.1); short protein forms A239T, A292T.
Identifiers: ClinVar variation 1416593 (VCV001416593.5), dbSNP rs139236786, ClinGen allele CA8176063.